The following is an entry in ClinVar:

ClinVar aggregate classification (germline): Uncertain significance (1 of 4 stars; one submission).

Submission:

GeneDx
Classification: Uncertain significance. Last evaluated: 2023-04-02. Review status: criteria provided, single submitter. Criteria: GeneDx Variant Classification Process June 2021. Collection method: clinical testing. Allele origin: germline. Affected: yes.
Comment: Not observed at significant frequency in large population cohorts (gnomAD); In silico analysis supports that this missense variant has a deleterious effect on protein structure/function; Has not been previously published as pathogenic or benign to our knowledge

NM_006514.4(SCN10A):c.2356G>A (p.Ala786Thr)

Gene: SCN10A (sodium voltage-gated channel alpha subunit 10; minus strand). Cytogenetic location: 3p22.2.
Variant type: single nucleotide variant.
Coding change: c.2356G>A on transcript NM_006514.4 (MANE Select); coding-DNA position 2356, G replaced by A.
Protein change: p.Ala786Thr; replaces alanine 786 with threonine.
Molecular consequence: missense variant.
Genome position (GRCh38, 1-based): chr3:38,728,826, C>T on the plus strand (G>A on the coding strand, the complement: SCN10A is on the minus strand). VCF-style: chr3-38728826-C-T. GRCh37 (hg19) VCF-style: chr3-38770317-C-T.
Other names: c.2356G>A, p.Ala786Thr (NM_001293306.2); c.2062G>A, p.Ala688Thr (NM_001293307.2); short protein forms A688T, A786T.
Identifiers: ClinVar variation 2582213 (VCV002582213.1), dbSNP rs2470680947, ClinGen allele CA352160969.